The following is an entry in ClinVar:

NM_017672.6(TRPM7):c.4979G>A (p.Ser1660Asn)

Gene: TRPM7 (transient receptor potential cation channel subfamily M member 7; minus strand). Cytogenetic location: 15q21.2.
Variant type: single nucleotide variant.
Coding change: c.4979G>A on transcript NM_017672.6 (MANE Select); coding-DNA position 4979, G replaced by A.
Protein change: p.Ser1660Asn; replaces serine 1660 with asparagine.
Molecular consequence: missense variant. On other transcripts: non-coding transcript variant (3).
Genome position (GRCh38, 1-based): chr15:50,574,892, C>T on the plus strand (G>A on the coding strand, the complement: TRPM7 is on the minus strand). VCF-style: chr15-50574892-C-T. GRCh37 (hg19) VCF-style: chr15-50867089-C-T.
Other names: c.4976G>A, p.Ser1659Asn (NM_001301212.2); short protein forms S1659N, S1660N.
Identifiers: ClinVar variation 3037491 (VCV003037491.2), dbSNP rs139291139, ClinGen allele CA7556742.
Genomic context (GRCh38, chr15:50,574,892, plus strand): 5'-AAATATTCACTGACACTTACTCTCAGACAGAGATGCAGAACTGTATCTTCTTTGTAAATA[C>T]TTGACCATGTATTAACCACCTCTGGAAGAAAAGATTTGATAATATAAAGATGCCCTGATT-3'
Protein context (NP_060142.3, residues 1650-1670): FLPEVVNTWS[Ser1660Asn]IYKEDTVLHL

ClinVar aggregate classification (germline): Benign (0 of 4 stars; one submission).

Conditions:
TRPM7-related disorder. Also called: TRPM7-related condition.

Allele frequency attached by ClinVar (database versions not stated): ExAC 0.00119; 1000 Genomes Project 0.00319; 1000 Genomes Project 30x 0.00344; ESP Exome Variant Server 0.00349; gnomAD 0.00391.
gnomAD v4.1: 1,185 of 1,613,430 alleles (0.073%); highest among the groups gnomAD compares: African/African-American, 1.3%; 7 homozygotes.

Submission:

PreventionGenetics, part of Exact Sciences
Classification: Benign for TRPM7-related condition. Last evaluated: 2019-11-14. Review status: no assertion criteria provided. Collection method: clinical testing. Allele origin: germline.
Comment: This variant is classified as benign based on ACMG/AMP sequence variant interpretation guidelines (Richards et al. 2015 PMID: 25741868, with internal and published modifications).